The following is an entry in ClinVar:

NM_001042432.2(CLN3):c.828_829del (p.Phe278fs)

Gene: CLN3 (CLN3 lysosomal/endosomal transmembrane protein, battenin; minus strand). Cytogenetic location: 16p12.1.
Variant type: Deletion.
Coding change: c.828_829del on transcript NM_001042432.2 (MANE Select); coding-DNA positions 828 to 829, 2 bases deleted (AG; older notation c.828_829delAG).
Protein change: p.Phe278fs; shifts the reading frame from phenylalanine 278.
Molecular consequence: frameshift variant.
Genome position (GRCh38, 1-based): chr16:28,482,634-28,482,635, CT deleted on the plus strand (AG on the coding strand, the reverse complement: CLN3 is on the minus strand). VCF-style (leftmost placement, unchanged base first): chr16-28482633-ACT-A. GRCh37 (hg19) VCF-style: chr16-28493954-ACT-A.
Other names: c.828_829del, p.Phe278fs (NM_000086.2); c.756_757del, p.Phe254fs (NM_001286104.2); c.528_529del, p.Phe178fs (NM_001286105.2); c.594_595del, p.Phe200fs (NM_001286109.2); c.666_667del, p.Phe224fs (NM_001286110.2); short protein forms F178fs, F224fs, F278fs, F200fs, F254fs.
Identifiers: ClinVar variation 2118627 (VCV002118627.4), dbSNP rs755465037, ClinGen allele CA279782452.

ClinVar aggregate classification (germline): Pathogenic (1 of 4 stars; one submission).

Conditions:
Neuronal ceroid lipofuscinosis. Also called: Neuronal Ceroid Lipofuscinoses. Identifiers: Orphanet 216, Orphanet 79263, MedGen C0027877, MONDO:0016295. Disease mechanism: loss of function.

Allele frequency attached by ClinVar (database versions not stated): gnomAD exomes below 0.00001.

Submission:

Labcorp Genetics (formerly Invitae), Labcorp
Classification: Pathogenic for Neuronal ceroid lipofuscinosis. Last evaluated: 2022-06-09. Review status: criteria provided, single submitter. Criteria: Invitae Variant Classification Sherloc (09022015). Collection method: clinical testing. Allele origin: germline.
Comment: For these reasons, this variant has been classified as Pathogenic. This variant has not been reported in the literature in individuals affected with CLN3-related conditions. This variant is not present in population databases (gnomAD no frequency). This sequence change creates a premature translational stop signal (p.Phe278Glnfs*21) in the CLN3 gene. It is expected to result in an absent or disrupted protein product. Loss-of-function variants in CLN3 are known to be pathogenic (PMID: 9311735, 28542676).

Literature cited by the submitters: PubMed 9311735; PubMed 28542676.